The following is an entry in ClinVar:

ClinVar aggregate classification (germline): Benign/Likely benign. Review status: criteria provided, multiple submitters, no conflicts (2 of 4 stars). 24 submissions from 17 submitters: Benign (20); Likely benign (2). 2 of the submissions do not count toward it. Last evaluated 2026-02-04.

Conditions:
Cardiovascular phenotype. Identifiers: MedGen CN230736.
Dilated cardiomyopathy 1G (CMD1G). Identifiers: Orphanet 154, MedGen C1858763, MONDO:0011400, OMIM 604145.
Autosomal recessive limb-girdle muscular dystrophy type 2J (LGMDR10). Also called: MUSCULAR DYSTROPHY, LIMB-GIRDLE, AUTOSOMAL RECESSIVE 10; Limb-girdle muscular dystrophy, type 2J. Identifiers: Orphanet 140922, MedGen C1837342, MONDO:0012127, OMIM 608807.
Myopathy, myofibrillar, 9, with early respiratory failure (MFM9). Also called: Myopathy, distal, with early respiratory failure, autosomal dominant; Hereditary myopathy with early respiratory failure; MYOPATHY, PROXIMAL, WITH EARLY RESPIRATORY MUSCLE INVOLVEMENT; EDSTROM MYOPATHY. Identifiers: Orphanet 178464, Orphanet 34521, MedGen C1863599, MONDO:0011362, OMIM 603689.
Early-onset myopathy with fatal cardiomyopathy (CMYO5). Also called: CONGENITAL MYOPATHY 5 WITH CARDIOMYOPATHY; Salih Myopathy. Identifiers: Orphanet 289377, MedGen C2673677, MONDO:0012714, OMIM 611705. Disease mechanism: loss of function.
Tibial muscular dystrophy (TMD). Also called: Udd Distal Myopathy – Tibial Muscular Dystrophy; Tibial muscular dystrophy, tardive; UDD MYOPATHY. Identifiers: Orphanet 609, MedGen C1838244, MONDO:0010870, OMIM 600334.

Allele frequency attached by ClinVar (database versions not stated): gnomAD 0.10360 and 0.11134; 1000 Genomes Project 30x 0.22939; 1000 Genomes Project 0.23602; gnomAD exomes 0.12367; ExAC 0.12379; ESP Exome Variant Server 0.08811; TOPMed 0.11907.
gnomAD v4.1: 134,727 of 1,613,984 alleles (8.3%); highest among the groups gnomAD compares: East Asian, 59%; 13,306 homozygotes.

Submissions (24):

Labcorp Genetics (formerly Invitae), Labcorp
Classification: Benign for Dilated cardiomyopathy 1G; Autosomal recessive limb-girdle muscular dystrophy type 2J. Last evaluated: 2026-02-04. Review status: criteria provided, single submitter. Criteria: Invitae Variant Classification Sherloc (09022015). Collection method: clinical testing. Allele origin: germline.

Molecular Diagnostic Laboratory for Inherited Cardiovascular Disease, Montreal Heart Institute
Classification: Benign. Last evaluated: 2025-04-09. Review status: criteria provided, single submitter. Criteria: ACMG Guidelines, 2015. Collection method: clinical testing. Allele origin: germline. Affected: no.

Genome-Nilou Lab
Classification: Benign for Autosomal recessive limb-girdle muscular dystrophy type 2J. Last evaluated: 2021-09-10. Review status: criteria provided, single submitter. Criteria: ACMG Guidelines, 2015. Collection method: clinical testing. Allele origin: germline. Affected: no.

Genome-Nilou Lab
Classification: Benign for Myopathy, myofibrillar, 9, with early respiratory failure. Last evaluated: 2021-09-10. Review status: criteria provided, single submitter. Criteria: ACMG Guidelines, 2015. Collection method: clinical testing. Allele origin: germline. Affected: no.

Genome-Nilou Lab
Classification: Benign for Early-onset myopathy with fatal cardiomyopathy. Last evaluated: 2021-09-10. Review status: criteria provided, single submitter. Criteria: ACMG Guidelines, 2015. Collection method: clinical testing. Allele origin: germline. Affected: no.

Genome-Nilou Lab
Classification: Benign for Tibial muscular dystrophy. Last evaluated: 2021-09-10. Review status: criteria provided, single submitter. Criteria: ACMG Guidelines, 2015. Collection method: clinical testing. Allele origin: germline. Affected: no.

Women's Health and Genetics/Laboratory Corporation of America, LabCorp
Classification: Likely benign. Last evaluated: 2020-08-18. Review status: criteria provided, single submitter. Criteria: LabCorp Variant Classification Summary - May 2015. Collection method: clinical testing. Allele origin: germline.

Athena Diagnostics
Classification: Benign. Last evaluated: 2018-12-13. Review status: criteria provided, single submitter. Criteria: Athena Diagnostics Criteria. Collection method: clinical testing. Allele origin: germline.

Illumina Laboratory Services, Illumina
Classification: Benign for Autosomal recessive limb-girdle muscular dystrophy type 2J. Last evaluated: 2018-01-13. Review status: criteria provided, single submitter. Criteria: ICSL Variant Classification Criteria 13 December 2019. Collection method: clinical testing. Allele origin: germline.
Comment: This variant was observed in the ICSL laboratory as part of a predisposition screen in an ostensibly healthy population. It had not been previously curated by ICSL or reported in the Human Gene Mutation Database (HGMD: prior to June 1st, 2018), and was therefore a candidate for classification through an automated scoring system. Utilizing variant allele frequency, disease prevalence and penetrance estimates, and inheritance mode, an automated score was calculated to assess if this variant is too frequent to cause the disease. Based on the score and internal cut-off values, a variant classified as benign is not then subjected to further curation. The score for this variant resulted in a classification of benign for this disease.

Illumina Laboratory Services, Illumina
Classification: Benign for Myopathy, myofibrillar, 9, with early respiratory failure. Last evaluated: 2018-01-13. Review status: criteria provided, single submitter. Criteria: ICSL Variant Classification Criteria 13 December 2019. Collection method: clinical testing. Allele origin: germline.
Comment: the same text as in the submission from Illumina Laboratory Services, Illumina above.

Illumina Laboratory Services, Illumina
Classification: Benign for Dilated cardiomyopathy 1G. Last evaluated: 2018-01-13. Review status: criteria provided, single submitter. Criteria: ICSL Variant Classification Criteria 13 December 2019. Collection method: clinical testing. Allele origin: germline.
Comment: the same text as in the submission from Illumina Laboratory Services, Illumina above.

Illumina Laboratory Services, Illumina
Classification: Benign for Early-onset myopathy with fatal cardiomyopathy. Last evaluated: 2018-01-13. Review status: criteria provided, single submitter. Criteria: ICSL Variant Classification Criteria 13 December 2019. Collection method: clinical testing. Allele origin: germline.
Comment: the same text as in the submission from Illumina Laboratory Services, Illumina above.

Illumina Laboratory Services, Illumina
Classification: Benign for Tibial muscular dystrophy. Last evaluated: 2018-01-13. Review status: criteria provided, single submitter. Criteria: ICSL Variant Classification Criteria 13 December 2019. Collection method: clinical testing. Allele origin: germline.
Comment: the same text as in the submission from Illumina Laboratory Services, Illumina above.

Mayo Clinic Laboratories, Mayo Clinic
Classification: Benign. Last evaluated: 2017-08-24. Review status: criteria provided, single submitter. Criteria: ACMG Guidelines, 2015. Collection method: clinical testing. Allele origin: germline. Observed: 388 variant alleles.

Eurofins Ntd Llc (ga)
Classification: Benign. Last evaluated: 2013-12-03. Review status: criteria provided, single submitter. Criteria: EGL Classification Definitions 2015. Collection method: clinical testing. Allele origin: germline. Observed: 1 variant allele, 1 heterozygote.

Genetic Services Laboratory, University of Chicago
Classification: Benign for AllHighlyPenetrant. Last evaluated: 2013-08-15. Review status: criteria provided, single submitter. Criteria: ACMG Guidelines, 2007. Collection method: clinical testing. Allele origin: germline.

Biesecker Lab/Clinical Genomics Section, National Institutes of Health
Classification: Benign. Last evaluated: 2013-06-24. Review status: criteria provided, single submitter. Criteria: Ng et al. (Circ Cardiovasc Genet. 2013). Collection method: research. Allele origin: unknown. Observed: 133 variant alleles. Study: ClinSeq.
Comment: The study set was not selected for affection status in relation to any cancer. Pathogenicity categories were based on literature curation. See Pubmed ID:23861362 for details.

Medical sequencing

Ambry Genetics
Classification: Benign for Cardiovascular phenotype. Last evaluated: 2013-01-16. Review status: criteria provided, single submitter. Criteria: Ambry Autosomal Dominant and X-Linked criteria (10/2015). Collection method: clinical testing. Allele origin: germline. Observed: 1 variant allele.

GeneDx
Classification: Benign. Last evaluated: 2012-10-31. Review status: criteria provided, single submitter. Criteria: GeneDx Variant Classification (06012015). Collection method: clinical testing. Allele origin: germline. Affected: yes.
Comment: This variant is considered likely benign or benign based on one or more of the following criteria: it is a conservative change, it occurs at a poorly conserved position in the protein, it is predicted to be benign by multiple in silico algorithms, and/or has population frequency not consistent with disease.

Laboratory for Molecular Medicine, Mass General Brigham Personalized Medicine
Classification: Benign. Last evaluated: 2012-04-24. Review status: criteria provided, single submitter. Criteria: LMM Criteria. Collection method: clinical testing. Allele origin: germline. Observed: 331 variant alleles.
Comment: Arg328Cys in exon 7 of TTN: This variant is not expected to have clinical signif icance because it has been identified in 15.5% (578/3738) of African American ch romosomes from a broad population by the NHLBI Exome Sequencing Project.

Breakthrough Genomics
Classification: Likely benign. Review status: criteria provided, single submitter. Criteria: ACMG Guidelines, 2015. Collection method: not provided. Allele origin: germline. Inheritance: Autosomal recessive inheritance. Affected: yes.

PreventionGenetics, part of Exact Sciences
Classification: Benign. Review status: criteria provided, single submitter. Criteria: ACMG Guidelines, 2015. Collection method: clinical testing. Allele origin: germline.

Clinical Genetics DNA and cytogenetics Diagnostics Lab, Erasmus MC, Erasmus Medical Center
Classification: Benign. Review status: no assertion criteria provided. Collection method: clinical testing. Allele origin: germline. Affected: yes. Study: VKGL Data-share Consensus. Not counted in ClinVar's aggregate classification.

Clinical Genetics, Academic Medical Center
Classification: Benign. Review status: no assertion criteria provided. Collection method: clinical testing. Allele origin: germline. Affected: yes. Study: VKGL Data-share Consensus. Not counted in ClinVar's aggregate classification.

NM_001267550.2(TTN):c.982C>T (p.Arg328Cys)

Gene: TTN (titin; minus strand). Cytogenetic location: 2q31.2.
Variant type: single nucleotide variant.
Coding change: c.982C>T on transcript NM_001267550.2 (MANE Select); coding-DNA position 982, C replaced by T.
Protein change: p.Arg328Cys; replaces arginine 328 with cysteine.
Molecular consequence: missense variant.
Genome position (GRCh38, 1-based): chr2:178,795,185, G>A on the plus strand (C>T on the coding strand, the complement: TTN is on the minus strand). VCF-style: chr2-178795185-G-A. GRCh37 (hg19) VCF-style: chr2-179659912-G-A.
Other names: p.R328C:CGT>TGT; c.982C>T, p.Arg328Cys (NM_001256850.1, NM_133378.4, NM_003319.4 and 3 more transcripts); short protein forms R328C.
Identifiers: ClinVar variation 47703 (VCV000047703.37), dbSNP rs16866538, ClinGen allele CA284363.